The following is an entry in ClinVar:

NM_015629.4(PRPF31):c.736G>A (p.Ala246Thr)

Gene: PRPF31 (pre-mRNA processing factor 31; plus strand). Cytogenetic location: 19q13.42.
Variant type: single nucleotide variant.
Coding change: c.736G>A on transcript NM_015629.4 (MANE Select); coding-DNA position 736, G replaced by A.
Protein change: p.Ala246Thr; replaces alanine 246 with threonine.
Molecular consequence: missense variant.
Genome position (GRCh38, 1-based): chr19:54,124,537, G>A. VCF-style: chr19-54124537-G-A. GRCh37 (hg19) VCF-style: chr19-54627916-G-A.
Other names: c.736G>A (NM_015629.3); short protein forms A246T.
Identifiers: ClinVar variation 1373191 (VCV001373191.9), dbSNP rs1186135759, ClinGen allele CA407751137.

ClinVar aggregate classification (germline): Uncertain significance. Review status: criteria provided, multiple submitters, no conflicts (2 of 4 stars). 2 submissions from 2 submitters: Uncertain significance (2). Last evaluated 2025-09-22.

Allele frequency attached by ClinVar (database versions not stated): TOPMed 0.00003; gnomAD 0.00004.
gnomAD v4.1: 35 of 1,610,244 alleles (0.0022%); highest among the groups gnomAD compares: Admixed American, 0.015%; no homozygotes.

Submissions (2):

Labcorp Genetics (formerly Invitae), Labcorp
Classification: Uncertain significance. Last evaluated: 2025-09-22. Review status: criteria provided, single submitter. Criteria: Invitae Variant Classification Sherloc (09022015). Collection method: clinical testing. Allele origin: germline.
Comment: This sequence change replaces alanine, which is neutral and non-polar, with threonine, which is neutral and polar, at codon 246 of the PRPF31 protein (p.Ala246Thr). This variant is present in population databases (no rsID available, gnomAD 0.01%). This missense change has been observed in individuals with clinical features of retinitis pigmentosa (PMID: 24938718, 29847639; internal data). ClinVar contains an entry for this variant (Variation ID: 1373191). An algorithm developed to predict the effect of missense changes on protein structure and function (PolyPhen-2) suggests that this variant is likely to be disruptive. Experimental studies have shown that this missense change does not substantially affect PRPF31 function (PMID: 33095315). In summary, the available evidence is currently insufficient to determine the role of this variant in disease. Therefore, it has been classified as a Variant of Uncertain Significance.

GeneDx
Classification: Uncertain significance. Last evaluated: 2023-06-13. Review status: criteria provided, single submitter. Criteria: GeneDx Variant Classification Process June 2021. Collection method: clinical testing. Allele origin: germline. Affected: yes.
Comment: A published functional study suggests this variant does not result in impaired function, however additional studies are needed to validate the functional effect of this variant in vivo (Nazlamova et al., 2021); In silico analysis supports that this missense variant has a deleterious effect on protein structure/function; This variant is associated with the following publications: (PMID: 24938718, 29847639, 33095315)

Literature cited by the submitters: PubMed 24938718 (cited by Labcorp Genetics (formerly Invitae), Labcorp); PubMed 29847639 (cited by Labcorp Genetics (formerly Invitae), Labcorp); PubMed 33095315 (cited by Labcorp Genetics (formerly Invitae), Labcorp).